The following is an entry in ClinVar:

ClinVar aggregate classification (germline): Uncertain significance (1 of 4 stars; one submission).

Conditions:
Congenital glucose-galactose malabsorption (GGM). Also called: MONOSACCHARIDE MALABSORPTION; DIARRHEA 16. Identifiers: Orphanet 35710, MedGen C0268186, MONDO:0011731, OMIM 606824.

Allele frequency attached by ClinVar (database versions not stated): gnomAD exomes below 0.00001.
gnomAD v4.1: 3 of 1,614,004 alleles (0.00019%); highest among the groups gnomAD compares: Non-Finnish European, 0.00017%; no homozygotes.

Submission:

Labcorp Genetics (formerly Invitae), Labcorp
Classification: Uncertain significance for Congenital glucose-galactose malabsorption. Last evaluated: 2022-08-23. Review status: criteria provided, single submitter. Criteria: Invitae Variant Classification Sherloc (09022015). Collection method: clinical testing. Allele origin: germline.
Comment: This sequence change replaces asparagine, which is neutral and polar, with serine, which is neutral and polar, at codon 363 of the SLC5A1 protein (p.Asn363Ser). This variant is not present in population databases (gnomAD no frequency). This variant has not been reported in the literature in individuals affected with SLC5A1-related conditions. Algorithms developed to predict the effect of missense changes on protein structure and function are either unavailable or do not agree on the potential impact of this missense change (SIFT: "Deleterious"; PolyPhen-2: "Possibly Damaging"; Align-GVGD: "Class C0"). In summary, the available evidence is currently insufficient to determine the role of this variant in disease. Therefore, it has been classified as a Variant of Uncertain Significance.

NM_000343.4(SLC5A1):c.1088A>G (p.Asn363Ser)

Gene: SLC5A1 (solute carrier family 5 member 1; plus strand). Cytogenetic location: 22q12.3.
Variant type: single nucleotide variant.
Coding change: c.1088A>G on transcript NM_000343.4 (MANE Select); coding-DNA position 1088, A replaced by G.
Protein change: p.Asn363Ser; replaces asparagine 363 with serine.
Molecular consequence: missense variant.
Genome position (GRCh38, 1-based): chr22:32,086,286, A>G. VCF-style: chr22-32086286-A-G. GRCh37 (hg19) VCF-style: chr22-32482273-A-G.
Other names: c.707A>G, p.Asn236Ser (NM_001256314.2); short protein forms N363S, N236S.
Identifiers: ClinVar variation 2108933 (VCV002108933.4), dbSNP rs2517663990, ClinGen allele CA411307004.